The following is an entry in ClinVar:

ClinVar aggregate classification (germline): Uncertain significance (1 of 4 stars; one submission).

Conditions:
Inborn genetic diseases. Identifiers: MedGen C0950123, MeSH D030342.

Submission:

Ambry Genetics
Classification: Uncertain significance for Inborn genetic diseases. Last evaluated: 2025-11-16. Review status: criteria provided, single submitter. Criteria: Ambry Variant Classification Scheme 2023. Collection method: clinical testing. Allele origin: germline.
Comment: The p.K1140I variant (also known as c.3419A>T), located in coding exon 13 of the ASXL1 gene, results from an A to T substitution at nucleotide position 3419. The lysine at codon 1140 is replaced by isoleucine, an amino acid with dissimilar properties. This amino acid position is conserved. In addition, this alteration is predicted to be tolerated by in silico analysis. Based on the available evidence, the clinical significance of this variant remains unclear.

NM_015338.6(ASXL1):c.3419A>T (p.Lys1140Ile)

Gene: ASXL1 (ASXL transcriptional regulator 1; plus strand). Cytogenetic location: 20q11.21.
Variant type: single nucleotide variant.
Coding change: c.3419A>T on transcript NM_015338.6 (MANE Select); coding-DNA position 3419, A replaced by T.
Protein change: p.Lys1140Ile; replaces lysine 1140 with isoleucine.
Molecular consequence: missense variant.
Genome position (GRCh38, 1-based): chr20:32,436,131, A>T. VCF-style: chr20-32436131-A-T. GRCh37 (hg19) VCF-style: chr20-31023934-A-T.
Other names: c.3236A>T, p.Lys1079Ile (NM_001363734.1); short protein forms K1140I, K1079I.
Identifiers: ClinVar variation 4588584 (VCV004588584.1).